The following is an entry in ClinVar:

NM_001148.6(ANK2):c.11675G>C (p.Gly3892Ala)

Gene: ANK2 (ankyrin 2; plus strand). Cytogenetic location: 4q26.
Variant type: single nucleotide variant.
Coding change: c.11675G>C on transcript NM_001148.6 (MANE Select); coding-DNA position 11675, G replaced by C.
Protein change: p.Gly3892Ala; replaces glycine 3892 with alanine.
Molecular consequence: missense variant. On other transcripts: intron variant (1).
Genome position (GRCh38, 1-based): chr4:113,373,154, G>C. VCF-style: chr4-113373154-G-C. GRCh37 (hg19) VCF-style: chr4-114294310-G-C.
Other names: c.5393G>C, p.Gly1798Ala (NM_001127493.3); c.5432G>C, p.Gly1811Ala (NM_001354225.2); c.5414G>C, p.Gly1805Ala (NM_001354228.2); c.5399G>C, p.Gly1800Ala (NM_001354230.2); c.5555G>C, p.Gly1852Ala (NM_001354231.2); c.5549G>C, p.Gly1850Ala (NM_001354232.2); c.5510G>C, p.Gly1837Ala (NM_001354235.2); c.5318G>C, p.Gly1773Ala (NM_001354236.2); and 44 more; short protein forms G1646A, G1712A, G1729A, G1732A, G1749A, G1762A, G1764A, G1773A.
Identifiers: ClinVar variation 1471109 (VCV001471109.8), dbSNP rs1311323688, ClinGen allele CA357943460.
Genomic context (GRCh38, chr4:113,373,154, plus strand): 5'-ACGATATGCCTGAAATACCCCCAGAAACAGTCACAGAAGAAGAATACATTGATGAGCATG[G>C]ACACACCGTGGTAAAGAAGGTATTGTCTAGTATATCCTAACAGGGTTGATTACAAACTTC-3'
Protein context (NP_001139.3, residues 3882-3902): VTEEEYIDEH[Gly3892Ala]HTVVKKVTRK

ClinVar aggregate classification (germline): Uncertain significance (1 of 4 stars; one submission).

Conditions:
Long QT syndrome (LQTS). Identifiers: MedGen C0023976, MeSH D008133, MONDO:0002442. Disease mechanism: loss of function. Inheritance: Various modes of inheritance.

Allele frequency attached by ClinVar (database versions not stated): gnomAD exomes below 0.00001; gnomAD 0.00001.
gnomAD v4.1: 5 of 1,613,962 alleles (0.00031%); highest among the groups gnomAD compares: African/African-American, 0.0067%; no homozygotes.

Submission:

Labcorp Genetics (formerly Invitae), Labcorp
Classification: Uncertain significance for Long QT syndrome. Last evaluated: 2021-02-21. Review status: criteria provided, single submitter. Criteria: Invitae Variant Classification Sherloc (09022015). Collection method: clinical testing. Allele origin: germline.
Comment: In summary, the available evidence is currently insufficient to determine the role of this variant in disease. Therefore, it has been classified as a Variant of Uncertain Significance. Algorithms developed to predict the effect of missense changes on protein structure and function are either unavailable or do not agree on the potential impact of this missense change (SIFT: "Deleterious"; PolyPhen-2: "Probably Damaging"; Align-GVGD: "Class C0"). This variant has not been reported in the literature in individuals with ANK2-related conditions. This variant is not present in population databases (ExAC no frequency). This sequence change replaces glycine with alanine at codon 3892 of the ANK2 protein (p.Gly3892Ala). The glycine residue is highly conserved and there is a small physicochemical difference between glycine and alanine.